The following is an entry in ClinVar:

NM_032043.3(BRIP1):c.659C>G (p.Ser220Cys)

Gene: BRIP1 (BRCA1 interacting DNA helicase 1; minus strand). Cytogenetic location: 17q23.2.
Variant type: single nucleotide variant.
Coding change: c.659C>G on transcript NM_032043.3 (MANE Select); coding-DNA position 659, C replaced by G.
Protein change: p.Ser220Cys; replaces serine 220 with cysteine.
Molecular consequence: missense variant.
Genome position (GRCh38, 1-based): chr17:61,808,726, G>C on the plus strand (C>G on the coding strand, the complement: BRIP1 is on the minus strand). VCF-style: chr17-61808726-G-C. GRCh37 (hg19) VCF-style: chr17-59886087-G-C.
Other names: short protein forms S220C.
Identifiers: ClinVar variation 3756377 (VCV003756377.2).

ClinVar aggregate classification (germline): Uncertain significance (1 of 4 stars; one submission).

Conditions:
Fanconi anemia complementation group J. Also called: BRIP1-Related Fanconi Anemia. Identifiers: Orphanet 84, MedGen C1836860, MONDO:0012187, OMIM 609054.
Familial cancer of breast. Also called: BREAST CANCER, FAMILIAL; Hereditary breast cancer; hereditary breast carcinoma. Identifiers: Orphanet 227535, MedGen C0346153, MONDO:0016419, OMIM 114480. Disease mechanism: loss of function.

Submission:

Labcorp Genetics (formerly Invitae), Labcorp
Classification: Uncertain significance for Familial cancer of breast; Fanconi anemia complementation group J. Last evaluated: 2024-05-16. Review status: criteria provided, single submitter. Criteria: Invitae Variant Classification Sherloc (09022015). Collection method: clinical testing. Allele origin: germline.
Comment: This sequence change replaces serine, which is neutral and polar, with cysteine, which is neutral and slightly polar, at codon 220 of the BRIP1 protein (p.Ser220Cys). This variant is not present in population databases (gnomAD no frequency). This variant has not been reported in the literature in individuals affected with BRIP1-related conditions. Advanced modeling of protein sequence and biophysical properties (such as structural, functional, and spatial information, amino acid conservation, physicochemical variation, residue mobility, and thermodynamic stability) performed at Invitae indicates that this missense variant is not expected to disrupt BRIP1 protein function with a negative predictive value of 80%. In summary, the available evidence is currently insufficient to determine the role of this variant in disease. Therefore, it has been classified as a Variant of Uncertain Significance.